The following is an entry in ClinVar:

ClinVar aggregate classification (germline): Likely pathogenic (1 of 4 stars; one submission).

Conditions:
Charcot-Marie-tooth disease, axonal, type 2DD. Also called: CHARCOT-MARIE-TOOTH NEUROPATHY, TYPE 2DD. Identifiers: Orphanet 521414, MedGen C4747974, MONDO:0054833, OMIM 618036.

Submission:

Clinical Genetics Laboratory, Skane University Hospital Lund
Classification: Likely pathogenic for Charcot-Marie-tooth disease, axonal, type 2DD. Last evaluated: 2025-11-25. Review status: criteria provided, single submitter. Criteria: ACMG Guidelines, 2015. Collection method: clinical testing. Allele origin: germline. Affected: yes.
Comment: ATP1A1 (NM_000701.8) c.1028G>A, p.(Cys343Tyr) represents a heterozygous nucleotide substitution in exon 9 of 23, which leads to the replacement of a highly conserved amino acid predicted to be damaging (PP3 based on REVEL score: 0.914). The variant has not been detected in the normal population (PM2, gnomAD 4.1.0). The variant has otherwise not previously been published in the literature. The trio analysis shows that the variant has arisen de novo, and the patient’s phenotype is considered consistent with published case reports of ATP1A1-related conditions (PS2); see PMID: 34232746, 31705535, 33968856, OMIM 182310. The variant is located within a transmembrane region of the ATP1A1 protein. PM1 is applied based on the fact that amino acids 322–344 are within the “transmembrane helix region” (which is highly important for forming a functional structure for Na⁺/K⁺ transport); see PMID: 34232746, 31705535, and 33968856. Within this transmembrane region (M4), several other pathogenic variants have been reported, for example in ClinVar (variation ID: 1174506, 162468, 689711), and the literature describes a well-characterized patient with another de novo missense variant (p.Leu337Pro) exhibiting an overlapping phenotype (see case 6 in Lin et al., 2021, ATP1A1 de novo mutation-related disorders clinical and genetic features (PMID: 33968856), and Stregapede et al., 2020, Hereditary spastic paraplegia is a novel phenotype for germline de novo ATP1A1 mutation (PMID: 31705535). In summary, the ATP1A1 variant c.1028G>A, p.(Cys343Tyr) detected in the patient has been classified as likely pathogenic based on the following ACMG criteria: PS2, PM1, PM2, and PP3.

NM_000701.8(ATP1A1):c.1028G>A (p.Cys343Tyr)

Gene: ATP1A1 (ATPase Na+/K+ transporting subunit alpha 1; plus strand). Cytogenetic location: 1p13.1.
Variant type: single nucleotide variant.
Coding change: c.1028G>A on transcript NM_000701.8 (MANE Select); coding-DNA position 1028, G replaced by A.
Protein change: p.Cys343Tyr; replaces cysteine 343 with tyrosine.
Molecular consequence: missense variant.
Genome position (GRCh38, 1-based): chr1:116,390,217, G>A. VCF-style: chr1-116390217-G-A. GRCh37 (hg19) VCF-style: chr1-116932839-G-A.
Other names: c.1028G>A, p.Cys343Tyr (NM_001160233.2); c.935G>A, p.Cys312Tyr (NM_001160234.2); short protein forms C312Y, C343Y.
Identifiers: ClinVar variation 3337828 (VCV003337828.2).